The following is an entry in ClinVar:

ClinVar aggregate classification (germline): Benign/Likely benign. Review status: criteria provided, multiple submitters, no conflicts (2 of 4 stars). 5 submissions from 5 submitters: Benign (3); Likely benign (2). Last evaluated 2026-02-03.

Conditions:
Spermatogenic failure 18. Identifiers: MedGen C4539783, MONDO:0054615, OMIM 617576.
Ciliary dyskinesia, primary, 37 (CILD37). Also called: CILIARY DYSKINESIA, PRIMARY, 37, WITH OR WITHOUT SITUS INVERSUS. Identifiers: MedGen C4539798, MONDO:0033204, OMIM 617577.

Allele frequency attached by ClinVar (database versions not stated): ExAC 0.02538; 1000 Genomes Project 30x 0.00921; 1000 Genomes Project 0.00938; gnomAD exomes 0.01563 and 0.02007; gnomAD 0.01588 and 0.01641; TOPMed 0.01610; ESP Exome Variant Server 0.01658.
gnomAD v4.1: 31,444 of 1,604,444 alleles (2%); highest among the groups gnomAD compares: Non-Finnish European, 2.3%; 378 homozygotes.

Submissions (5):

Labcorp Genetics (formerly Invitae), Labcorp
Classification: Benign for Ciliary dyskinesia, primary, 37; Spermatogenic failure 18. Last evaluated: 2026-02-03. Review status: criteria provided, single submitter. Criteria: Invitae Variant Classification Sherloc (09022015). Collection method: clinical testing. Allele origin: germline.

Mayo Clinic Laboratories, Mayo Clinic
Classification: Benign. Last evaluated: 2023-12-19. Review status: criteria provided, single submitter. Criteria: ACMG Guidelines, 2015. Collection method: clinical testing. Allele origin: germline. Observed: 7 variant alleles.
Comment: BS1, BS2, BP4, BP7

ARUP Laboratories, Molecular Genetics and Genomics, ARUP Laboratories
Classification: Benign. Last evaluated: 2023-11-22. Review status: criteria provided, single submitter. Criteria: ARUP Molecular Germline Variant Investigation Process 2024. Collection method: clinical testing. Allele origin: germline.

GeneDx
Classification: Likely benign. Last evaluated: 2018-07-05. Review status: criteria provided, single submitter. Criteria: GeneDx Variant Classification Process June 2021. Collection method: clinical testing. Allele origin: germline. Affected: yes.

Breakthrough Genomics
Classification: Likely benign. Review status: criteria provided, single submitter. Criteria: ACMG Guidelines, 2015. Collection method: not provided. Allele origin: germline. Inheritance: Autosomal recessive inheritance. Affected: yes.

NM_015512.5(DNAH1):c.7569C>T (p.Ser2523=)

Gene: DNAH1 (dynein axonemal heavy chain 1; plus strand). Cytogenetic location: 3p21.1.
Variant type: single nucleotide variant.
Coding change: c.7569C>T on transcript NM_015512.5 (MANE Select); coding-DNA position 7569, C replaced by T.
Protein change: p.Ser2523=; no amino-acid change (serine 2523 retained).
Molecular consequence: synonymous variant.
Genome position (GRCh38, 1-based): chr3:52,380,096, C>T. VCF-style: chr3-52380096-C-T. GRCh37 (hg19) VCF-style: chr3-52414112-C-T.
Other names: p.Ser2523=.
Identifiers: ClinVar variation 478493 (VCV000478493.18), dbSNP rs73072968, ClinGen allele CA2434911.
Genomic context (GRCh38, chr3:52,380,096, plus strand): 5'-CTTCAACAAGGTCTGCCCCTTCCAGCCCATTCTTTACGGGGACTTCATGTCACCAGGCTC[C>T]GATGTCAAGTCCTACGAGCTCATCACCAGTGAGAGTAAGGTGAGGGGCCCAGGCAGGCGC-3'
Protein context (NP_056327.4, residues 2513-2533): ILYGDFMSPG[Ser2523=]DVKSYELITS